The following is an entry in ClinVar:

ClinVar aggregate classification (germline): Likely pathogenic (1 of 4 stars; one submission).

Conditions:
Facial dysmorphism-lens dislocation-anterior segment abnormalities-spontaneous filtering blebs syndrome. Also called: TRABOULSI SYNDROME; Facial dysmorphism, lens dislocation, anterior segment abnormalities, and spontaneous filtering blebs. Identifiers: Orphanet 412022, MedGen C1832167, MONDO:0011106, OMIM 601552.

Submission:

Laboratorio de Genetica e Diagnostico Molecular, Hospital Israelita Albert Einstein
Classification: Likely pathogenic for Facial dysmorphism-lens dislocation-anterior segment abnormalities-spontaneous filtering blebs syndrome. Last evaluated: 2024-12-13. Review status: criteria provided, single submitter. Criteria: ACMG Guidelines, 2015. Collection method: clinical testing. Allele origin: germline. Affected: yes.
Comment: ACMG classification criteria: PVS1 very strong, PM2 supporting

NM_004318.4(ASPH):c.1747del (p.Tyr583fs)

Gene: ASPH (aspartate beta-hydroxylase; minus strand). Cytogenetic location: 8q12.3.
Variant type: Deletion.
Coding change: c.1747del on transcript NM_004318.4 (MANE Select); coding-DNA position 1747, one base deleted (T; older notation c.1747delT).
Protein change: p.Tyr583fs; shifts the reading frame from tyrosine 583.
Molecular consequence: frameshift variant.
Genome position (GRCh38, 1-based): chr8:61,548,088, A deleted on the plus strand (T on the coding strand, the reverse complement: ASPH is on the minus strand). VCF-style (leftmost placement, unchanged base first): chr8-61548087-TA-T. GRCh37 (hg19) VCF-style: chr8-62460646-TA-T.
Other names: c.1576del, p.Tyr526fs (NM_001413877.1, NM_001413876.1); c.1573del, p.Tyr525fs (NM_001413878.1); c.1570del, p.Tyr524fs (NM_001413879.1); c.1561del, p.Tyr521fs (NM_001413880.1, NM_001413881.1); c.1558del, p.Tyr520fs (NM_001413882.1); c.1543del, p.Tyr515fs (NM_001413883.1); c.1540del, p.Tyr514fs (NM_001413884.1); c.1531del, p.Tyr511fs (NM_001413885.1); and 33 more; short protein forms Y365fs, Y379fs, Y421fs, Y424fs, Y450fs, Y481fs, Y496fs, Y500fs.
Identifiers: ClinVar variation 3900998 (VCV003900998.1).